The following is an entry in ClinVar:

NM_005876.5(SPEG):c.7445G>A (p.Gly2482Asp)

Genes: ASIC4-AS1 (ASIC4 antisense RNA 1; minus strand), SPEG (striated muscle enriched protein kinase; plus strand). Cytogenetic location: 2q35.
Variant type: single nucleotide variant.
Coding change: c.7445G>A on transcript NM_005876.5 (MANE Select); coding-DNA position 7445, G replaced by A.
Protein change: p.Gly2482Asp; replaces glycine 2482 with aspartic acid.
Molecular consequence: missense variant.
Genome position (GRCh38, 1-based): chr2:219,484,908, G>A. VCF-style: chr2-219484908-G-A. GRCh37 (hg19) VCF-style: chr2-220349630-G-A.
Other names: short protein forms G2482D.
Identifiers: ClinVar variation 2085967 (VCV002085967.3), dbSNP rs920639962, ClinGen allele CA65992522.
Genomic context (GRCh38, chr2:219,484,908, plus strand): 5'-AGCGGCTGTCCAGCCGATTGCAGCGCAGTGGCAGCAGCGAGGACTCGGGGGGCGCGTCGG[G>A]CCGCAGCACGCCGCTGTTCGGACGGCTTCGCAGGGCCACGTCCGAGGGCGAGAGTCTGCG-3'
Protein context (NP_005867.3, residues 2472-2492): GSSEDSGGAS[Gly2482Asp]RSTPLFGRLR

ClinVar aggregate classification (germline): Uncertain significance. Review status: criteria provided, multiple submitters, no conflicts (2 of 4 stars). 2 submissions from 2 submitters: Uncertain significance (2). Last evaluated 2025-01-23.

Conditions:
Inborn genetic diseases. Identifiers: MedGen C0950123, MeSH D030342.

Allele frequency attached by ClinVar (database versions not stated): TOPMed 0.00006.

Submissions (2):

Labcorp Genetics (formerly Invitae), Labcorp
Classification: Uncertain significance. Last evaluated: 2025-01-23. Review status: criteria provided, single submitter. Criteria: Invitae Variant Classification Sherloc (09022015). Collection method: clinical testing. Allele origin: germline.
Comment: This sequence change replaces glycine, which is neutral and non-polar, with aspartic acid, which is acidic and polar, at codon 2482 of the SPEG protein (p.Gly2482Asp). This variant is not present in population databases (gnomAD no frequency). This variant has not been reported in the literature in individuals affected with SPEG-related conditions. ClinVar contains an entry for this variant (Variation ID: 2085967). An algorithm developed to predict the effect of missense changes on protein structure and function (PolyPhen-2) suggests that this variant is likely to be disruptive. In summary, the available evidence is currently insufficient to determine the role of this variant in disease. Therefore, it has been classified as a Variant of Uncertain Significance.

Ambry Genetics
Classification: Uncertain significance for Inborn genetic diseases. Last evaluated: 2022-04-12. Review status: criteria provided, single submitter. Criteria: Ambry Variant Classification Scheme 2023. Collection method: clinical testing. Allele origin: germline.